The following is an entry in ClinVar:

ClinVar aggregate classification (germline): Uncertain significance (1 of 4 stars; one submission).

Submission:

Labcorp Genetics (formerly Invitae), Labcorp
Classification: Uncertain significance. Last evaluated: 2023-02-02. Review status: criteria provided, single submitter. Criteria: Invitae Variant Classification Sherloc (09022015). Collection method: clinical testing. Allele origin: germline.
Comment: This variant has not been reported in the literature in individuals affected with CARD8-related conditions. This sequence change creates a premature translational stop signal (p.Trp142Valfs*12) in the CARD8 gene. It is expected to result in an absent or disrupted protein product. However, the current clinical and genetic evidence is not sufficient to establish whether loss-of-function variants in CARD8 cause disease. This variant is not present in population databases (gnomAD no frequency). In summary, the available evidence is currently insufficient to determine the role of this variant in disease. Therefore, it has been classified as a Variant of Uncertain Significance.

NM_001184900.3(CARD8):c.574_575del (p.Trp192fs)

Gene: CARD8 (caspase recruitment domain family member 8; minus strand). Cytogenetic location: 19q13.33.
Variant type: Microsatellite.
Coding change: c.574_575del on transcript NM_001184900.3 (MANE Select); coding-DNA positions 574 to 575, 2 bases deleted (TG; older notation c.574_575delTG).
Protein change: p.Trp192fs; shifts the reading frame from tryptophan 192.
Molecular consequence: frameshift variant. On other transcripts: non-coding transcript variant (4).
Genome position (GRCh38, 1-based): chr19:48,230,974-48,230,975, CA deleted on the plus strand (TG on the coding strand, the reverse complement: CARD8 is on the minus strand); deleting any 2 consecutive bases within chr19:48,230,974-48,230,977 gives the same sequence; the c. name uses the placement nearest the transcript's 3' end. VCF-style (leftmost placement, unchanged base first): chr19-48230973-CCA-C. GRCh37 (hg19) VCF-style: chr19-48734230-CCA-C.
Other names: c.424_425del, p.Trp142fs (NM_001184901.1, NM_001351783.2, NM_001351788.2 and 2 more transcripts); c.574_575del, p.Trp192fs (NM_001184902.2, NM_001184903.1, NM_001351782.2); c.259_260del, p.Trp87fs (NM_001351784.2, NM_001351787.2, NM_001351791.2 and 2 more transcripts); c.238_239del, p.Trp80fs (NM_001351786.2); c.331_332del, p.Trp111fs (NM_001351790.2); c.-251_-250TG[1] (NM_001426741.1); short protein forms W192fs, W80fs, W87fs, W111fs, W142fs.
Identifiers: ClinVar variation 2867442 (VCV002867442.3), dbSNP rs2514733346, ClinGen allele CA2586165141.